The following is an entry in ClinVar:

ClinVar aggregate classification (germline): Conflicting classifications of pathogenicity. Review status: criteria provided, conflicting classifications (1 of 4 stars). 4 submissions from 3 submitters: Uncertain significance (2); Likely benign (2). Last evaluated 2026-01-19.

Conditions:
Meckel-Gruber syndrome. Also called: Dysencephalia splachnocystica; DYSENCEPHALIA SPLANCHNOCYSTICA; GRUBER SYNDROME. Identifiers: Orphanet 564, MedGen C0265215, MONDO:0018921.
Joubert syndrome. Also called: Familial aplasia of the vermis; JOUBERT-BOLTSHAUSER SYNDROME. Identifiers: Orphanet 475, MedGen C5979921, MONDO:0018772.
CC2D2A-related disorder. Also called: CC2D2A-related disorders; CC2D2A-related condition. Identifiers: MedGen CN239313.
Meckel syndrome, type 6. Identifiers: Orphanet 564, MedGen C2676790, MONDO:0012848, OMIM 612284.
Joubert syndrome 9 (JBTS9). Identifiers: Orphanet 2318, MedGen C2676788, MONDO:0012849, OMIM 612285.

Allele frequency attached by ClinVar (database versions not stated): gnomAD 0.00003 and 0.00004; TOPMed 0.00003; gnomAD exomes 0.00006 and 0.00011; ExAC 0.00010.
gnomAD v4.1: 158 of 1,598,140 alleles (0.0099%); highest among the groups gnomAD compares: East Asian, 0.35%; 2 homozygotes.

Submissions (4):

Labcorp Genetics (formerly Invitae), Labcorp
Classification: Likely benign for Joubert syndrome; Meckel-Gruber syndrome. Last evaluated: 2026-01-19. Review status: criteria provided, single submitter. Criteria: Invitae Variant Classification Sherloc (09022015). Collection method: clinical testing. Allele origin: germline.

PreventionGenetics, part of Exact Sciences
Classification: Likely benign for CC2D2A-related condition. Last evaluated: 2025-05-09. Review status: criteria provided, single submitter. Criteria: ACMG Guidelines, 2015. Collection method: clinical testing. Allele origin: germline.
Comment: This variant is classified as likely benign based on ACMG/AMP sequence variant interpretation guidelines (Richards et al. 2015 PMID: 25741868, with internal and published modifications).

Illumina Laboratory Services, Illumina
Classification: Uncertain significance for Meckel syndrome, type 6. Last evaluated: 2018-01-13. Review status: criteria provided, single submitter. Criteria: ICSL Variant Classification Criteria 13 December 2019. Collection method: clinical testing. Allele origin: germline.

Illumina Laboratory Services, Illumina
Classification: Uncertain significance for Joubert syndrome 9. Last evaluated: 2018-01-13. Review status: criteria provided, single submitter. Criteria: ICSL Variant Classification Criteria 13 December 2019. Collection method: clinical testing. Allele origin: germline.

NM_001378615.1(CC2D2A):c.563C>T (p.Ala188Val)

Genes: CC2D2A (coiled-coil and C2 domain containing 2A; plus strand), FBXL5 (F-box and leucine rich repeat protein 5; minus strand). Cytogenetic location: 4p15.32.
Variant type: single nucleotide variant.
Coding change: c.563C>T on transcript NM_001378615.1 (MANE Select); coding-DNA position 563, C replaced by T.
Protein change: p.Ala188Val; replaces alanine 188 with valine.
Molecular consequence: missense variant.
Genome position (GRCh38, 1-based): chr4:15,511,269, C>T. VCF-style: chr4-15511269-C-T. GRCh37 (hg19) VCF-style: chr4-15512892-C-T.
Other names: c.563C>T, p.Ala188Val (NM_001080522.2); c.416C>T, p.Ala139Val (NM_001378617.1); short protein forms A188V, A139V.
Identifiers: ClinVar variation 902674 (VCV000902674.13), dbSNP rs200044412, ClinGen allele CA2863443.
Genomic context (GRCh38, chr4:15,511,269, plus strand): 5'-TAAATGGGAAATTGCGATTGCTCCTTGCTTTTCGTTAGGTTCCACCTGGCTTCCCTTCTG[C>T]AGAAGAGGCCTATAACTTCTTTACTTTCAACTTTGATCCCGAACCAGAAGGATCAGAGGA-3'
Protein context (NP_001365544.1, residues 178-198): KPQVPPGFPS[Ala188Val]EEAYNFFTFN